The following is an entry in ClinVar:

NM_001024630.4(RUNX2):c.560T>C (p.Phe187Ser)

Gene: RUNX2 (RUNX family transcription factor 2; plus strand). Cytogenetic location: 6p21.1.
Variant type: single nucleotide variant.
Coding change: c.560T>C on transcript NM_001024630.4 (MANE Select); coding-DNA position 560, T replaced by C.
Protein change: p.Phe187Ser; replaces phenylalanine 187 with serine.
Molecular consequence: missense variant.
Genome position (GRCh38, 1-based): chr6:45,431,999, T>C. VCF-style: chr6-45431999-T-C. GRCh37 (hg19) VCF-style: chr6-45399736-T-C.
Other names: c.560T>C, p.Phe187Ser (NM_001015051.4); c.518T>C, p.Phe173Ser (NM_001278478.2, NM_001369405.1, NM_004348.3); short protein forms F187S, F173S.
Identifiers: ClinVar variation 2734880 (VCV002734880.3), dbSNP rs2548589271, ClinGen allele CA363960423.
Genomic context (GRCh38, chr6:45,431,999, plus strand): 5'-AGCTCCGGAATGCCTCTGCTGTTATGAAAAACCAAGTAGCAAGGTTCAACGATCTGAGAT[T>C]TGTGGGCCGGAGTGGACGAGGTAGGTCTCTGACTTTTGATACTGATAATAGAATAAGCAC-3'
Protein context (NP_001019801.3, residues 177-197): NQVARFNDLR[Phe187Ser]VGRSGRGKSF

ClinVar aggregate classification (germline): Pathogenic (1 of 4 stars; one submission).

Submission:

Labcorp Genetics (formerly Invitae), Labcorp
Classification: Pathogenic. Last evaluated: 2024-02-06. Review status: criteria provided, single submitter. Criteria: Invitae Variant Classification Sherloc (09022015). Collection method: clinical testing. Allele origin: germline.
Comment: This sequence change replaces phenylalanine, which is neutral and non-polar, with serine, which is neutral and polar, at codon 187 of the RUNX2 protein (p.Phe187Ser). This variant is not present in population databases (gnomAD no frequency). This missense change has been observed in individual(s) with clinical features of cleidocranial dysplasia (PMID: 20648631; Invitae). In at least one individual the variant was observed to be de novo. Advanced modeling of protein sequence and biophysical properties (such as structural, functional, and spatial information, amino acid conservation, physicochemical variation, residue mobility, and thermodynamic stability) performed at Invitae indicates that this missense variant is expected to disrupt RUNX2 protein function with a positive predictive value of 80%. For these reasons, this variant has been classified as Pathogenic.

Literature cited by the submitters: PubMed 20648631.